The following is an entry in ClinVar:

ClinVar aggregate classification (germline): Uncertain significance (1 of 4 stars; one submission).

Conditions:
Inborn genetic diseases. Identifiers: MedGen C0950123, MeSH D030342.

Submission:

Ambry Genetics
Classification: Uncertain significance for Inborn genetic diseases. Last evaluated: 2023-12-21. Review status: criteria provided, single submitter. Criteria: Ambry Variant Classification Scheme 2023. Collection method: clinical testing. Allele origin: germline.
Comment: The p.T298N variant (also known as c.893C>A), located in coding exon 8 of the RAD51 gene, results from a C to A substitution at nucleotide position 893. The threonine at codon 298 is replaced by asparagine, an amino acid with similar properties. This amino acid position is conserved. In addition, the in silico prediction for this alteration is inconclusive. Since supporting evidence is limited at this time, the clinical significance of this alteration remains unclear.

NM_002875.5(RAD51):c.893C>A (p.Thr298Asn)

Gene: RAD51 (RAD51 recombinase; plus strand). Cytogenetic location: 15q15.1.
Variant type: single nucleotide variant.
Coding change: c.893C>A on transcript NM_002875.5 (MANE Select); coding-DNA position 893, C replaced by A.
Protein change: p.Thr298Asn; replaces threonine 298 with asparagine.
Molecular consequence: missense variant. On other transcripts: intron variant (1).
Genome position (GRCh38, 1-based): chr15:40,729,971, C>A. VCF-style: chr15-40729971-C-A. GRCh37 (hg19) VCF-style: chr15-41022169-C-A.
Other names: c.896C>A, p.Thr299Asn (NM_001164269.2, NM_133487.4); c.774+337C>A (NM_001164270.2); short protein forms T298N, T299N.
Identifiers: ClinVar variation 3222874 (VCV003222874.1), dbSNP rs2504532197, ClinGen allele CA391760316.